The following is an entry in ClinVar:

ClinVar aggregate classification (germline): Likely pathogenic (1 of 4 stars; one submission).

Conditions:
Junctional epidermolysis bullosa. Identifiers: Orphanet 305, MedGen C0079301, MONDO:0017612.

Submission:

Myriad Genetics, Inc.
Classification: Likely pathogenic for Junctional epidermolysis bullosa. Last evaluated: 2021-11-02. Review status: criteria provided, single submitter. Criteria: Myriad Autosomal Dominant, Autosomal Recessive and X-Linked Classification Criteria (2023). Collection method: clinical testing. Allele origin: unknown.
Comment: NM_000228.2(LAMB3):c.852_853ins7(T285Pfs*9) is expected to be pathogenic in the context of junctional epidermolysis bullosa, LAMB3-related. This variant is predicted to lead to an abnormal or absent protein product due to the creation of a premature termination codon in LAMB3, a gene where loss-of-function variants are known to be pathogenic. Please note: this variant was assessed in the context of healthy population screening.

NM_000228.3(LAMB3):c.852_853insCCTAGTA (p.Thr285fs)

Gene: LAMB3 (laminin subunit beta 3; minus strand). Cytogenetic location: 1q32.2.
Variant type: Insertion.
Coding change: c.852_853insCCTAGTA on transcript NM_000228.3 (MANE Select); coding-DNA positions 852 to 853, CCTAGTA inserted.
Protein change: p.Thr285fs; shifts the reading frame from threonine 285.
Molecular consequence: frameshift variant.
Genome position: GRCh38 VCF-style: chr1-209630705-T-TTACTAGG. GRCh37 (hg19) VCF-style: chr1-209804050-T-TTACTAGG.
Other names: c.852_853insCCTAGTA, p.Thr285fs (NM_001017402.2, NM_001127641.1); short protein forms T285fs.
Identifiers: ClinVar variation 1723987 (VCV001723987.3), dbSNP rs2464855992, ClinGen allele CA2580062016.